The following is an entry in ClinVar:

NM_173630.4(RTTN):c.2883G>A (p.Met961Ile)

Gene: RTTN (rotatin; minus strand). Cytogenetic location: 18q22.2.
Variant type: single nucleotide variant.
Coding change: c.2883G>A on transcript NM_173630.4 (MANE Select); coding-DNA position 2883, G replaced by A.
Protein change: p.Met961Ile; replaces methionine 961 with isoleucine.
Molecular consequence: missense variant.
Genome position (GRCh38, 1-based): chr18:70,135,186, C>T on the plus strand (G>A on the coding strand, the complement: RTTN is on the minus strand). VCF-style: chr18-70135186-C-T. GRCh37 (hg19) VCF-style: chr18-67802422-C-T.
Other names: c.147G>A, p.Met49Ile (NM_001318520.2); short protein forms M961I, M49I.
Identifiers: ClinVar variation 2089535 (VCV002089535.4), dbSNP rs2512565322, ClinGen allele CA402695702.
Genomic context (GRCh38, chr18:70,135,186, plus strand): 5'-ATCAGATACCTGAGATAAATAGTTAAGAGTAAAAAACTTATAAATTCTTATATCTCACCA[C>T]ATATCCATTCTCGATACTTCATCAAATAATAGAAGACAAAATAGTGCTCCAACTTCAGTC-3'
Protein context (NP_775901.3, residues 951-971): LLFDEVSRMD[Met961Ile]WSVNPSNKPS

ClinVar aggregate classification (germline): Uncertain significance (1 of 4 stars; one submission).

gnomAD v4.1: 1 of 1,495,378 alleles (0.000067%); highest among the groups gnomAD compares: Admixed American, 0.0024%; no homozygotes.

Submission:

Labcorp Genetics (formerly Invitae), Labcorp
Classification: Uncertain significance. Last evaluated: 2022-01-26. Review status: criteria provided, single submitter. Criteria: Invitae Variant Classification Sherloc (09022015). Collection method: clinical testing. Allele origin: germline.
Comment: In summary, the available evidence is currently insufficient to determine the role of this variant in disease. Therefore, it has been classified as a Variant of Uncertain Significance. Algorithms developed to predict the effect of missense changes on protein structure and function output the following: SIFT: "Tolerated"; PolyPhen-2: "Benign"; Align-GVGD: "Class C0". The isoleucine amino acid residue is found in multiple mammalian species, which suggests that this missense change does not adversely affect protein function. This variant has not been reported in the literature in individuals affected with RTTN-related conditions. This variant is not present in population databases (gnomAD no frequency). This sequence change replaces methionine, which is neutral and non-polar, with isoleucine, which is neutral and non-polar, at codon 961 of the RTTN protein (p.Met961Ile).